The following is an entry in ClinVar:

ClinVar aggregate classification (germline): Likely pathogenic (1 of 4 stars; one submission).

Submission:

Labcorp Genetics (formerly Invitae), Labcorp
Classification: Likely pathogenic. Last evaluated: 2022-07-23. Review status: criteria provided, single submitter. Criteria: Invitae Variant Classification Sherloc (09022015). Collection method: clinical testing. Allele origin: germline.
Comment: In summary, the currently available evidence indicates that the variant is pathogenic, but additional data are needed to prove that conclusively. Therefore, this variant has been classified as Likely Pathogenic. Algorithms developed to predict the effect of sequence changes on RNA splicing suggest that this variant may disrupt the consensus splice site. This variant has not been reported in the literature in individuals affected with SPTB-related conditions. This variant is not present in population databases (gnomAD no frequency). This sequence change affects an acceptor splice site in intron 12 of the SPTB gene. It is expected to disrupt RNA splicing. Variants that disrupt the donor or acceptor splice site typically lead to a loss of protein function (PMID: 16199547), and loss-of-function variants in SPTB are known to be pathogenic (PMID: 1391962, 1498324, 8844207, 26830532, 27292444).

Literature cited by the submitters: PubMed 16199547; PubMed 1391962; PubMed 1498324; PubMed 8844207; PubMed 26830532; PubMed 27292444.

NM_001355436.2(SPTB):c.1796-1G>A

Gene: SPTB (spectrin beta, erythrocytic; minus strand). Cytogenetic location: 14q23.3.
Variant type: single nucleotide variant.
Coding change: c.1796-1G>A on transcript NM_001355436.2 (MANE Select); the canonical splice acceptor site of the intron before coding-DNA position 1796, G replaced by A.
Molecular consequence: splice acceptor variant.
Genome position (GRCh38, 1-based): chr14:64,793,868, C>T on the plus strand (G>A on the coding strand, the complement: SPTB is on the minus strand). VCF-style: chr14-64793868-C-T. GRCh37 (hg19) VCF-style: chr14-65260586-C-T.
Other names: c.1796-1G>A (NM_001024858.4, NM_001355437.2).
Identifiers: ClinVar variation 2019206 (VCV002019206.4), dbSNP rs2503163480, ClinGen allele CA390021134.